The following is an entry in ClinVar:

NM_001927.4(DES):c.817G>C (p.Ala273Pro)

Gene: DES (desmin; plus strand). Cytogenetic location: 2q35.
Variant type: single nucleotide variant.
Coding change: c.817G>C on transcript NM_001927.4 (MANE Select); coding-DNA position 817, G replaced by C.
Protein change: p.Ala273Pro; replaces alanine 273 with proline.
Molecular consequence: missense variant. On other transcripts: intron variant (1).
Genome position (GRCh38, 1-based): chr2:219,420,576, G>C. VCF-style: chr2-219420576-G-C. GRCh37 (hg19) VCF-style: chr2-220285298-G-C.
Other names: c.814G>C, p.Ala272Pro (NM_001382708.1); c.817G>C, p.Ala273Pro (NM_001382710.1, NM_001382711.1, NM_001382712.1); c.547G>C, p.Ala183Pro (NM_001382713.1); c.735+230G>C (NM_001382709.1); short protein forms A183P, A273P, A272P.
Identifiers: ClinVar variation 3501212 (VCV003501212.3).
Genomic context (GRCh38, chr2:219,420,576, plus strand): 5'-CAGCTTCAGGAACAGCAGGTCCAGGTGGAGATGGACATGTCTAAGCCAGACCTCACTGCC[G>C]CCCTCAGGGACATCCGGGCTCAGTATGAGACCATCGCGGCTAAGAACATTTCTGAAGCTG-3'
Protein context (NP_001918.3, residues 263-283): MDMSKPDLTA[Ala273Pro]LRDIRAQYET

ClinVar aggregate classification (germline): Uncertain significance. Review status: criteria provided, multiple submitters, no conflicts (2 of 4 stars). 2 submissions from 2 submitters: Uncertain significance (2). Last evaluated 2025-01-25.

Conditions:
Desmin-related myofibrillar myopathy (MFM1). Also called: Desminopathy; Desmin related myopathy (former name); Desmin storage myopathy (former name); MYOFIBRILLAR MYOPATHY WITH ARRHYTHMOGENIC RIGHT VENTRICULAR CARDIOMYOPATHY; DESMIN-RELATED MYOPATHY WITH ARRHYTHMOGENIC RIGHT VENTRICULAR CARDIOMYOPATHY; Myofibrillar myopathy 1. Identifiers: Orphanet 363543, Orphanet 98909, MedGen C1832370, MONDO:0011076, OMIM 601419.
Cardiovascular phenotype. Identifiers: MedGen CN230736.

Submissions (2):

Labcorp Genetics (formerly Invitae), Labcorp
Classification: Uncertain significance for Desmin-related myofibrillar myopathy. Last evaluated: 2025-01-25. Review status: criteria provided, single submitter. Criteria: Invitae Variant Classification Sherloc (09022015). Collection method: clinical testing. Allele origin: germline.
Comment: This sequence change replaces alanine, which is neutral and non-polar, with proline, which is neutral and non-polar, at codon 273 of the DES protein (p.Ala273Pro). This variant is not present in population databases (gnomAD no frequency). This variant has not been reported in the literature in individuals affected with DES-related conditions. ClinVar contains an entry for this variant (Variation ID: 3501212). Invitae Evidence Modeling of protein sequence and biophysical properties (such as structural, functional, and spatial information, amino acid conservation, physicochemical variation, residue mobility, and thermodynamic stability) indicates that this missense variant is expected to disrupt DES protein function with a positive predictive value of 95%. In summary, the available evidence is currently insufficient to determine the role of this variant in disease. Therefore, it has been classified as a Variant of Uncertain Significance.

Ambry Genetics
Classification: Uncertain significance for Cardiovascular phenotype. Last evaluated: 2024-11-01. Review status: criteria provided, single submitter. Criteria: Ambry Variant Classification Scheme 2023. Collection method: clinical testing. Allele origin: germline.
Comment: The p.A273P variant (also known as c.817G>C), located in coding exon 4 of the DES gene, results from a G to C substitution at nucleotide position 817. The alanine at codon 273 is replaced by proline, an amino acid with highly similar properties. This amino acid position is conserved. In addition, this alteration is predicted to be deleterious by in silico analysis. Based on the available evidence, the clinical significance of this variant remains unclear.